The following is an entry in ClinVar:

NM_033026.6(PCLO):c.2635_2642del (p.Pro879fs)

Gene: PCLO (piccolo presynaptic cytomatrix protein; minus strand). Cytogenetic location: 7q21.11.
Variant type: Deletion.
Coding change: c.2635_2642del on transcript NM_033026.6 (MANE Select); coding-DNA positions 2635 to 2642, 8 bases deleted (CCTGGCCC; older notation c.2635_2642delCCTGGCCC).
Protein change: p.Pro879fs; shifts the reading frame from proline 879.
Molecular consequence: frameshift variant.
Genome position (GRCh38, 1-based): chr7:83,134,908-83,134,915, GGGCCAGG deleted on the plus strand (CCTGGCCC on the coding strand, the reverse complement: PCLO is on the minus strand); deleting any 8 consecutive bases within chr7:83,134,908-83,134,918 gives the same sequence; the c. name uses the placement nearest the transcript's 3' end. VCF-style (leftmost placement, unchanged base first): chr7-83134907-TGGGCCAGG-T. GRCh37 (hg19) VCF-style: chr7-82764223-TGGGCCAGG-T.
Other names: c.2635_2642del, p.Pro879fs (NM_014510.3); short protein forms P879fs.
Identifiers: ClinVar variation 2750224 (VCV002750224.3), dbSNP rs2484836145, ClinGen allele CA2697557351.

ClinVar aggregate classification (germline): Pathogenic (1 of 4 stars; one submission).

Submission:

Labcorp Genetics (formerly Invitae), Labcorp
Classification: Pathogenic. Last evaluated: 2023-05-30. Review status: criteria provided, single submitter. Criteria: Invitae Variant Classification Sherloc (09022015). Collection method: clinical testing. Allele origin: germline.
Comment: This sequence change creates a premature translational stop signal (p.Pro879Thrfs*33) in the PCLO gene. It is expected to result in an absent or disrupted protein product. Loss-of-function variants in PCLO are known to be pathogenic (PMID: 25832664, 30287594). This variant is not present in population databases (gnomAD no frequency). This variant has not been reported in the literature in individuals affected with PCLO-related conditions. For these reasons, this variant has been classified as Pathogenic.

Literature cited by the submitters: PubMed 25832664; PubMed 30287594.